The following is an entry in ClinVar:

ClinVar aggregate classification (germline): Uncertain significance (1 of 4 stars; one submission).

Submission:

Labcorp Genetics (formerly Invitae), Labcorp
Classification: Uncertain significance. Last evaluated: 2025-04-15. Review status: criteria provided, single submitter. Criteria: Invitae Variant Classification Sherloc (09022015). Collection method: clinical testing. Allele origin: germline.
Comment: This sequence change replaces isoleucine, which is neutral and non-polar, with threonine, which is neutral and polar, at codon 310 of the KRT74 protein (p.Ile310Thr). This variant is present in population databases (rs768334917, gnomAD 0.002%). This variant has not been reported in the literature in individuals affected with KRT74-related conditions. ClinVar contains an entry for this variant (Variation ID: 3628368). Invitae Evidence Modeling of protein sequence and biophysical properties (such as structural, functional, and spatial information, amino acid conservation, physicochemical variation, residue mobility, and thermodynamic stability) indicates that this missense variant is not expected to disrupt KRT74 protein function with a negative predictive value of 80%. In summary, the available evidence is currently insufficient to determine the role of this variant in disease. Therefore, it has been classified as a Variant of Uncertain Significance.

NM_175053.4(KRT74):c.929T>C (p.Ile310Thr)

Gene: KRT74 (keratin 74; minus strand). Cytogenetic location: 12q13.13.
Variant type: single nucleotide variant.
Coding change: c.929T>C on transcript NM_175053.4 (MANE Select); coding-DNA position 929, T replaced by C.
Protein change: p.Ile310Thr; replaces isoleucine 310 with threonine.
Molecular consequence: missense variant.
Genome position (GRCh38, 1-based): chr12:52,570,748, A>G on the plus strand (T>C on the coding strand, the complement: KRT74 is on the minus strand). VCF-style: chr12-52570748-A-G. GRCh37 (hg19) VCF-style: chr12-52964532-A-G.
Other names: short protein forms I310T.
Identifiers: ClinVar variation 3628368 (VCV003628368.2).